The following is an entry in ClinVar:

NM_000053.4(ATP7B):c.449A>C (p.Glu150Ala)

Gene: ATP7B (ATPase copper transporting beta; minus strand). Cytogenetic location: 13q14.3.
Variant type: single nucleotide variant.
Coding change: c.449A>C on transcript NM_000053.4 (MANE Select); coding-DNA position 449, A replaced by C.
Protein change: p.Glu150Ala; replaces glutamic acid 150 with alanine.
Molecular consequence: missense variant.
Genome position (GRCh38, 1-based): chr13:51,974,771, T>G on the plus strand (A>C on the coding strand, the complement: ATP7B is on the minus strand). VCF-style: chr13-51974771-T-G. GRCh37 (hg19) VCF-style: chr13-52548907-T-G.
Other names: c.449A>C, p.Glu150Ala (NM_001005918.3, NM_001243182.2, NM_001330578.2 and 30 more transcripts); c.353A>C, p.Glu118Ala (NM_001406517.1, NM_001406518.1, NM_001406530.1 and 4 more transcripts); short protein forms E118A, E150A.
Identifiers: ClinVar variation 1932337 (VCV001932337.4), dbSNP rs2547822744, ClinGen allele CA388043999.

ClinVar aggregate classification (germline): Uncertain significance (1 of 4 stars; one submission).

Conditions:
Wilson disease (WND). Also called: Wilson's disease. Identifiers: Orphanet 905, MedGen C0019202, MONDO:0010200, OMIM 277900. Disease mechanism: loss of function.

Allele frequency attached by ClinVar (database versions not stated): gnomAD exomes below 0.00001.
gnomAD v4.1: 1 of 1,614,056 alleles (0.000062%); highest among the groups gnomAD compares: Admixed American, 0.0017%; no homozygotes.

Submission:

Labcorp Genetics (formerly Invitae), Labcorp
Classification: Uncertain significance for Wilson disease. Last evaluated: 2024-10-03. Review status: criteria provided, single submitter. Criteria: Invitae Variant Classification Sherloc (09022015). Collection method: clinical testing. Allele origin: germline.
Comment: This sequence change replaces glutamic acid, which is acidic and polar, with alanine, which is neutral and non-polar, at codon 150 of the ATP7B protein (p.Glu150Ala). This variant is not present in population databases (gnomAD no frequency). This variant has not been reported in the literature in individuals affected with ATP7B-related conditions. ClinVar contains an entry for this variant (Variation ID: 1932337). Invitae Evidence Modeling of protein sequence and biophysical properties (such as structural, functional, and spatial information, amino acid conservation, physicochemical variation, residue mobility, and thermodynamic stability) has been performed for this missense variant. However, the output from this modeling did not meet the statistical confidence thresholds required to predict the impact of this variant on ATP7B protein function. In summary, the available evidence is currently insufficient to determine the role of this variant in disease. Therefore, it has been classified as a Variant of Uncertain Significance.